The following is an entry in ClinVar:

NM_001854.4(COL11A1):c.2608C>T (p.Arg870Trp)

Gene: COL11A1 (collagen type XI alpha 1 chain; minus strand). Cytogenetic location: 1p21.1.
Variant type: single nucleotide variant.
Coding change: c.2608C>T on transcript NM_001854.4 (MANE Select); coding-DNA position 2608, C replaced by T.
Protein change: p.Arg870Trp; replaces arginine 870 with tryptophan.
Molecular consequence: missense variant. On other transcripts: non-coding transcript variant (1).
Genome position (GRCh38, 1-based): chr1:102,979,384, G>A on the plus strand (C>T on the coding strand, the complement: COL11A1 is on the minus strand). VCF-style: chr1-102979384-G-A. GRCh37 (hg19) VCF-style: chr1-103444940-G-A.
Other names: c.2491C>T, p.Arg831Trp (NM_001190709.2); c.2644C>T, p.Arg882Trp (NM_080629.3); c.2260C>T, p.Arg754Trp (NM_080630.4); c.2608C>T (NM_001854.3); short protein forms R754W, R831W, R870W, R882W.
Identifiers: ClinVar variation 1064929 (VCV001064929.12), dbSNP rs778379327, ClinGen allele CA974368.

ClinVar aggregate classification (germline): Conflicting classifications of pathogenicity. Review status: criteria provided, conflicting classifications (1 of 4 stars). 3 submissions from 3 submitters: Likely pathogenic (1); Uncertain significance (2). Last evaluated 2025-12-01.

Conditions:
Inborn genetic diseases. Identifiers: MedGen C0950123, MeSH D030342.
Hearing impairment. Also called: Impaired Hearing. Identifiers: MedGen C1384666, MONDO:0005365, HP:0000365.

Allele frequency attached by ClinVar (database versions not stated): gnomAD 0.00001; TOPMed 0.00003.
gnomAD v4.1: 37 of 1,606,076 alleles (0.0023%); highest among the groups gnomAD compares: Non-Finnish European, 0.0028%; no homozygotes.

Submissions (3):

Labcorp Genetics (formerly Invitae), Labcorp
Classification: Uncertain significance. Last evaluated: 2025-12-01. Review status: criteria provided, single submitter. Criteria: Invitae Variant Classification Sherloc (09022015). Collection method: clinical testing. Allele origin: germline.
Comment: This sequence change replaces arginine, which is basic and polar, with tryptophan, which is neutral and slightly polar, at codon 870 of the COL11A1 protein (p.Arg870Trp). This variant is present in population databases (rs778379327, gnomAD 0.01%). This variant has not been reported in the literature in individuals affected with COL11A1-related conditions. ClinVar contains an entry for this variant (Variation ID: 1064929). Experimental studies and prediction algorithms are not available or were not evaluated, and the functional significance of this variant is currently unknown. Algorithms developed to predict the effect of sequence changes on RNA splicing suggest that this variant may create or strengthen a splice site. In summary, the available evidence is currently insufficient to determine the role of this variant in disease. Therefore, it has been classified as a Variant of Uncertain Significance.

Ambry Genetics
Classification: Uncertain significance for Inborn genetic diseases. Last evaluated: 2025-09-01. Review status: criteria provided, single submitter. Criteria: Ambry Variant Classification Scheme 2023. Collection method: clinical testing. Allele origin: germline.

Department of Otolaryngology – Head & Neck Surgery, Cochlear Implant Center
Classification: Likely pathogenic for Hearing impairment. Last evaluated: 2021-04-12. Review status: criteria provided, single submitter. Criteria: ClinGen HL ACMG Specifications v1. Collection method: clinical testing. Allele origin: germline. Affected: yes.
Comment: PM2_Moderate, PP3_Strong